The following is an entry in ClinVar:

ClinVar aggregate classification (germline): Conflicting classifications of pathogenicity. Review status: criteria provided, conflicting classifications (1 of 4 stars). 3 submissions from 3 submitters: Uncertain significance (2); Likely benign (1). Last evaluated 2026-01-19.

Allele frequency attached by ClinVar (database versions not stated): ESP Exome Variant Server 0.00023; gnomAD 0.00024 and 0.00026; TOPMed 0.00029.
gnomAD v4.1: 685 of 1,614,070 alleles (0.042%); highest among the groups gnomAD compares: Non-Finnish European, 0.055%; 1 homozygote.

Submissions (3):

Labcorp Genetics (formerly Invitae), Labcorp
Classification: Uncertain significance. Last evaluated: 2026-01-19. Review status: criteria provided, single submitter. Criteria: Invitae Variant Classification Sherloc (09022015). Collection method: clinical testing. Allele origin: germline.
Comment: This sequence change replaces arginine, which is basic and polar, with cysteine, which is neutral and slightly polar, at codon 742 of the MICAL1 protein (p.Arg742Cys). This variant is present in population databases (rs149976085, gnomAD 0.03%), and has an allele count higher than expected for a pathogenic variant. This variant has not been reported in the literature in individuals affected with MICAL1-related conditions. ClinVar contains an entry for this variant (Variation ID: 1418591). An algorithm developed to predict the effect of missense changes on protein structure and function outputs the following: PolyPhen-2: "Benign". The cysteine amino acid residue is found in multiple mammalian species, which suggests that this missense change does not adversely affect protein function. In summary, the available evidence is currently insufficient to determine the role of this variant in disease. Therefore, it has been classified as a Variant of Uncertain Significance.

CeGaT Center for Human Genetics Tuebingen
Classification: Likely benign. Last evaluated: 2023-08-01. Review status: criteria provided, single submitter. Criteria: CeGaT Center For Human Genetics Tuebingen Variant Classification Criteria Version 2. Collection method: clinical testing. Allele origin: germline. Affected: yes. Observed: 1 variant allele.
Comment: MICAL1: BP4

Breakthrough Genomics
Classification: Uncertain significance. Review status: criteria provided, single submitter. Criteria: ACMG Guidelines, 2015. Collection method: not provided. Allele origin: germline. Inheritance: Unknown mechanism. Affected: yes.

NM_022765.4(MICAL1):c.2167C>T (p.Arg723Cys)

Gene: MICAL1 (microtubule associated monooxygenase, calponin and LIM domain containing 1; minus strand). Cytogenetic location: 6q21.
Variant type: single nucleotide variant.
Coding change: c.2167C>T on transcript NM_022765.4 (MANE Select); coding-DNA position 2167, C replaced by T.
Protein change: p.Arg723Cys; replaces arginine 723 with cysteine.
Molecular consequence: missense variant.
Genome position (GRCh38, 1-based): chr6:109,447,133, G>A on the plus strand (C>T on the coding strand, the complement: MICAL1 is on the minus strand). VCF-style: chr6-109447133-G-A. GRCh37 (hg19) VCF-style: chr6-109768336-G-A.
Other names: c.1909C>T, p.Arg637Cys (NM_001159291.2); c.2224C>T, p.Arg742Cys (NM_001286613.2); short protein forms R723C, R637C, R742C.
Identifiers: ClinVar variation 1418591 (VCV001418591.30), dbSNP rs149976085, ClinGen allele CA3953038.